The following is an entry in ClinVar:

NM_001364905.1(LRBA):c.5712C>A (p.Ser1904Arg)

Gene: LRBA (LPS responsive beige-like anchor protein; minus strand). Cytogenetic location: 4q31.3.
Variant type: single nucleotide variant.
Coding change: c.5712C>A on transcript NM_001364905.1 (MANE Select); coding-DNA position 5712, C replaced by A.
Protein change: p.Ser1904Arg; replaces serine 1904 with arginine.
Molecular consequence: missense variant.
Genome position (GRCh38, 1-based): chr4:150,735,300, G>T on the plus strand (C>A on the coding strand, the complement: LRBA is on the minus strand). VCF-style: chr4-150735300-G-T. GRCh37 (hg19) VCF-style: chr4-151656452-G-T.
Other names: c.5712C>A, p.Ser1904Arg (NM_006726.5, NM_001199282.3, NM_001367550.1); short protein forms S1904R.
Identifiers: ClinVar variation 1721881 (VCV001721881.5), dbSNP rs2547297451, ClinGen allele CA358607696.

ClinVar aggregate classification (germline): Uncertain significance (1 of 4 stars; one submission).

Conditions:
Combined immunodeficiency due to LRBA deficiency. Also called: Common variable immunodeficiency 8, with autoimmunity. Identifiers: Orphanet 445018, MedGen C3553512, MONDO:0013863, OMIM 614700.

Submission:

Labcorp Genetics (formerly Invitae), Labcorp
Classification: Uncertain significance for Combined immunodeficiency due to LRBA deficiency. Last evaluated: 2022-10-19. Review status: criteria provided, single submitter. Criteria: Invitae Variant Classification Sherloc (09022015). Collection method: clinical testing. Allele origin: germline.
Comment: This variant is not present in population databases (gnomAD no frequency). This sequence change replaces serine, which is neutral and polar, with arginine, which is basic and polar, at codon 1904 of the LRBA protein (p.Ser1904Arg). This variant has not been reported in the literature in individuals affected with LRBA-related conditions. In summary, the available evidence is currently insufficient to determine the role of this variant in disease. Therefore, it has been classified as a Variant of Uncertain Significance. Advanced modeling of protein sequence and biophysical properties (such as structural, functional, and spatial information, amino acid conservation, physicochemical variation, residue mobility, and thermodynamic stability) performed at Invitae indicates that this missense variant is not expected to disrupt LRBA protein function.